The following is an entry in ClinVar:

NM_001378452.1(ITPR1):c.1883C>G (p.Pro628Arg)

Gene: ITPR1 (inositol 1,4,5-trisphosphate receptor type 1; plus strand). Cytogenetic location: 3p26.1.
Variant type: single nucleotide variant.
Coding change: c.1883C>G on transcript NM_001378452.1 (MANE Select); coding-DNA position 1883, C replaced by G.
Protein change: p.Pro628Arg; replaces proline 628 with arginine.
Molecular consequence: missense variant.
Genome position (GRCh38, 1-based): chr3:4,667,546, C>G. VCF-style: chr3-4667546-C-G. GRCh37 (hg19) VCF-style: chr3-4709230-C-G.
Other names: c.1883C>G, p.Pro628Arg (NM_001099952.4); c.1838C>G, p.Pro613Arg (NM_001168272.2, NM_002222.7); short protein forms P628R, P613R.
Identifiers: ClinVar variation 1953359 (VCV001953359.5), dbSNP rs2093976836, ClinGen allele CA351643291.

ClinVar aggregate classification (germline): Uncertain significance (1 of 4 stars; one submission).

Submission:

Labcorp Genetics (formerly Invitae), Labcorp
Classification: Uncertain significance. Last evaluated: 2022-08-15. Review status: criteria provided, single submitter. Criteria: Invitae Variant Classification Sherloc (09022015). Collection method: clinical testing. Allele origin: germline.
Comment: In summary, the available evidence is currently insufficient to determine the role of this variant in disease. Therefore, it has been classified as a Variant of Uncertain Significance. Algorithms developed to predict the effect of missense changes on protein structure and function are either unavailable or do not agree on the potential impact of this missense change (SIFT: "Deleterious"; PolyPhen-2: "Possibly Damaging"; Align-GVGD: "Class C0"). This variant has not been reported in the literature in individuals affected with ITPR1-related conditions. This variant is not present in population databases (gnomAD no frequency). This sequence change replaces proline, which is neutral and non-polar, with arginine, which is basic and polar, at codon 613 of the ITPR1 protein (p.Pro613Arg).